The following is an entry in ClinVar:

ClinVar aggregate classification (germline): Conflicting classifications of pathogenicity. Review status: criteria provided, conflicting classifications (1 of 4 stars). 4 submissions from 4 submitters: Uncertain significance (1); Likely benign (3). Last evaluated 2025-12-22.

Conditions:
Arterial calcification, generalized, of infancy, 2. Identifiers: Orphanet 51608, MedGen C3276161, MONDO:0013768, OMIM 614473.
Autosomal recessive inherited pseudoxanthoma elasticum (PXE). Identifiers: Orphanet 758, MedGen CN032334, MONDO:0009925, OMIM 264800.
Pseudoxanthoma elasticum, forme fruste. Also called: Pseudoxanthoma Elasticum, Incomplete; PSEUDOXANTHOMA ELASTICUM, HETEROZYGOUS. Identifiers: Orphanet 758, MedGen C1867450, MONDO:0008333, OMIM 177850.
ABCC6-related disorder. Also called: ABCC6-related condition.

Allele frequency attached by ClinVar (database versions not stated): gnomAD 0.00001 and 0.00003; TOPMed 0.00002; gnomAD exomes 0.00006 and 0.00011; ExAC 0.00015; ESP Exome Variant Server 0.00015; 1000 Genomes Project 30x 0.00016; 1000 Genomes Project 0.00020.
gnomAD v4.1: 102 of 1,613,298 alleles (0.0063%); highest among the groups gnomAD compares: South Asian, 0.075%; 1 homozygote.

Submissions (4):

PreventionGenetics, part of Exact Sciences
Classification: Uncertain significance for ABCC6-related condition. Last evaluated: 2025-12-22. Review status: criteria provided, single submitter. Criteria: ACMG Guidelines, 2015. Collection method: clinical testing. Allele origin: germline.
Comment: The ABCC6 c.3735+10G>A variant is predicted to interfere with splicing. This variant is predicted to impair splicing based on one available splicing algorithm (SpliceAI, Jaganathan et al. 2019. PubMed ID: 30661751). To our knowledge, this variant has not been reported in the literature. This variant is reported in 0.075% of alleles in individuals of South Asian descent in gnomAD, which may be too frequent to be a primary cause of disease. Although we suspect that this variant may be benign, at this time, the clinical significance of this variant is uncertain due to the absence of conclusive functional and genetic evidence.

Labcorp Genetics (formerly Invitae), Labcorp
Classification: Likely benign. Last evaluated: 2025-10-15. Review status: criteria provided, single submitter. Criteria: Invitae Variant Classification Sherloc (09022015). Collection method: clinical testing. Allele origin: germline.

Blueprint Genetics
Classification: Likely benign. Last evaluated: 2024-07-10. Review status: criteria provided, single submitter. Criteria: ACMG Guidelines, 2015. Collection method: clinical testing. Allele origin: germline.

Fulgent Genetics
Classification: Likely benign for Pseudoxanthoma elasticum, forme fruste; Autosomal recessive inherited pseudoxanthoma elasticum; Arterial calcification, generalized, of infancy, 2. Last evaluated: 2021-09-23. Review status: criteria provided, single submitter. Criteria: ACMG Guidelines, 2015. Collection method: clinical testing. Allele origin: unknown.

NM_001171.6(ABCC6):c.3735+10G>A

Gene: ABCC6 (ATP binding cassette subfamily C member 6; minus strand). Cytogenetic location: 16p13.11.
Variant type: single nucleotide variant.
Coding change: c.3735+10G>A on transcript NM_001171.6 (MANE Select); 10 bases into the intron after coding-DNA position 3735, G replaced by A.
Molecular consequence: intron variant.
Genome position (GRCh38, 1-based): chr16:16,159,472, C>T on the plus strand (G>A on the coding strand, the complement: ABCC6 is on the minus strand). VCF-style: chr16-16159472-C-T. GRCh37 (hg19) VCF-style: chr16-16253329-C-T.
Other names: c.3735+10G>A (NM_001171.5); c.3393+10G>A (NM_001351800.1).
Identifiers: ClinVar variation 1651573 (VCV001651573.11), dbSNP rs372710375, ClinGen allele CA7925469.